The following is an entry in ClinVar:

NM_005515.4(MNX1):c.1135G>A (p.Ala379Thr)

Gene: MNX1 (motor neuron and pancreas homeobox 1; minus strand). Cytogenetic location: 7q36.3.
Variant type: single nucleotide variant.
Coding change: c.1135G>A on transcript NM_005515.4 (MANE Select); coding-DNA position 1135, G replaced by A.
Protein change: p.Ala379Thr; replaces alanine 379 with threonine.
Molecular consequence: missense variant.
Genome position (GRCh38, 1-based): chr7:157,005,591, C>T on the plus strand (G>A on the coding strand, the complement: MNX1 is on the minus strand). VCF-style: chr7-157005591-C-T. GRCh37 (hg19) VCF-style: chr7-156798285-C-T.
Other names: c.499G>A, p.Ala167Thr (NM_001165255.2); short protein forms A167T, A379T.
Identifiers: ClinVar variation 1702741 (VCV001702741.3), dbSNP rs2134837856, ClinGen allele CA370161351.

ClinVar aggregate classification (germline): Uncertain significance. Review status: criteria provided, multiple submitters, no conflicts (2 of 4 stars). 2 submissions from 2 submitters: Uncertain significance (2). Last evaluated 2025-02-09.

Submissions (2):

Labcorp Genetics (formerly Invitae), Labcorp
Classification: Uncertain significance. Last evaluated: 2025-02-09. Review status: criteria provided, single submitter. Criteria: Invitae Variant Classification Sherloc (09022015). Collection method: clinical testing. Allele origin: germline.
Comment: This sequence change replaces alanine, which is neutral and non-polar, with threonine, which is neutral and polar, at codon 379 of the MNX1 protein (p.Ala379Thr). This variant is not present in population databases (gnomAD no frequency). This variant has not been reported in the literature in individuals affected with MNX1-related conditions. ClinVar contains an entry for this variant (Variation ID: 1702741). An algorithm developed to predict the effect of missense changes on protein structure and function (PolyPhen-2) suggests that this variant is likely to be tolerated. In summary, the available evidence is currently insufficient to determine the role of this variant in disease. Therefore, it has been classified as a Variant of Uncertain Significance.

GeneDx
Classification: Uncertain significance. Last evaluated: 2022-02-16. Review status: criteria provided, single submitter. Criteria: GeneDx Variant Classification Process June 2021. Collection method: clinical testing. Allele origin: germline. Affected: yes.
Comment: Not observed at significant frequency in large population cohorts (gnomAD); In silico analysis supports that this missense variant does not alter protein structure/function; Has not been previously published as pathogenic or benign to our knowledge